The following is an entry in ClinVar:

ClinVar aggregate classification (germline): Conflicting classifications of pathogenicity. Review status: criteria provided, conflicting classifications (1 of 4 stars). 6 submissions from 6 submitters: Uncertain significance (4); Likely benign (1). 1 of the submissions does not count toward it. Last evaluated 2025-09-10.

Conditions:
Hereditary cancer-predisposing syndrome. Also called: Hereditary Cancer Syndrome; Hereditary neoplastic syndrome; Neoplastic Syndromes, Hereditary; Tumor predisposition. Identifiers: Orphanet 140162, MedGen C0027672, MeSH D009386, MONDO:0015356.
Breast-ovarian cancer, familial, susceptibility to, 1 (BROVCA1). Also called: BRCA1 Hereditary Breast and Ovarian Cancer; OVARIAN CANCER, SUSCEPTIBILITY TO. Identifiers: Orphanet 145, MedGen C2676676, MONDO:0011450, OMIM 604370. Disease mechanism: loss of function.
Hereditary breast ovarian cancer syndrome. Also called: BRCA1- and BRCA2-Associated Hereditary Breast and Ovarian Cancer; Hereditary breast and ovarian cancer syndrome; Hereditary breast and ovarian cancer syndrome (HBOC); Breast and ovarian cancer; Hereditary breast and/or ovarian cancer syndrome; Hereditary breast and ovarian cancer. Identifiers: Orphanet 145, MedGen C0677776, MeSH D061325, MONDO:0003582. Disease mechanism: loss of function.

Submissions (6):

Women's Health and Genetics/Laboratory Corporation of America, LabCorp
Classification: Uncertain significance. Last evaluated: 2025-09-10. Review status: criteria provided, single submitter. Criteria: LabCorp Variant Classification Summary - May 2015. Collection method: clinical testing. Allele origin: germline.
Comment: Variant summary: BRCA1 c.3587C>A (p.Thr1196Lys) results in a non-conservative amino acid change in the encoded protein sequence. Algorithms developed to predict the effect of missense changes on protein structure and function are either unavailable or do not agree on the potential impact of this missense change. The variant was absent in 250882 control chromosomes. The available data on variant occurrences in the general population are insufficient to allow any conclusion about variant significance. c.3587C>A has been observed in individual(s) with family or personal history of Hereditary Breast And Ovarian Cancer Syndrome (Shattuck-Eidens_1997). These report(s) do not provide unequivocal conclusions about association of the variant with Hereditary Breast And Ovarian Cancer Syndrome. To our knowledge, no experimental evidence demonstrating an impact on protein function has been reported. The following publication have been ascertained in the context of this evaluation (PMID: 9333265). ClinVar contains an entry for this variant (Variation ID: 54925). Based on the evidence outlined above, the variant was classified as uncertain significance.

Labcorp Genetics (formerly Invitae), Labcorp
Classification: Uncertain significance for Hereditary breast ovarian cancer syndrome. Last evaluated: 2025-02-03. Review status: criteria provided, single submitter. Criteria: Invitae Variant Classification Sherloc (09022015). Collection method: clinical testing. Allele origin: germline.
Comment: This sequence change replaces threonine, which is neutral and polar, with lysine, which is basic and polar, at codon 1196 of the BRCA1 protein (p.Thr1196Lys). This variant is not present in population databases (gnomAD no frequency). This missense change has been observed in individual(s) with a personal or family history of breast and/or ovarian cancer (PMID: 9333265). ClinVar contains an entry for this variant (Variation ID: 54925). Invitae Evidence Modeling of protein sequence and biophysical properties (such as structural, functional, and spatial information, amino acid conservation, physicochemical variation, residue mobility, and thermodynamic stability) indicates that this missense variant is not expected to disrupt BRCA1 protein function with a negative predictive value of 80%. In summary, the available evidence is currently insufficient to determine the role of this variant in disease. Therefore, it has been classified as a Variant of Uncertain Significance.

Ambry Genetics
Classification: Uncertain significance for Hereditary cancer-predisposing syndrome. Last evaluated: 2024-06-04. Review status: criteria provided, single submitter. Criteria: Ambry Variant Classification Scheme 2023. Collection method: clinical testing. Allele origin: germline.
Comment: The p.T1196K variant (also known as c.3587C>A and 3706C>A), located in coding exon 9 of the BRCA1 gene, results from a C to A substitution at nucleotide position 3587. The threonine at codon 1196 is replaced by lysine, an amino acid with some similar properties. This alteration has been reported as a variant of unknown significance based on mammalian conservation and chemical characteristics of the amino acid substitution (Burk-Herrick A et al. Mamm Genome. 2006 Mar; 17(3):257-70). This amino acid position is not well conserved in available vertebrate species. In addition, the in silico prediction for this alteration is inconclusive. Since supporting evidence is limited at this time, the clinical significance of this alteration remains unclear.

University of Washington Department of Laboratory Medicine, University of Washington
Classification: Likely benign for Hereditary cancer-predisposing syndrome. Last evaluated: 2023-03-23. Review status: criteria provided, single submitter. Criteria: Dines et al. (Genet Med. 2020). Collection method: curation. Allele origin: germline.
Comment: Missense variant in a coldspot region where missense variants are very unlikely to be pathogenic (PMID:31911673).

BRCA1 coldspot (exon 11 using historical exon numbering). Reclassification based on statistical prior probability

GeneDx
Classification: Uncertain significance. Last evaluated: 2022-05-26. Review status: criteria provided, single submitter. Criteria: GeneDx Variant Classification Process June 2021. Collection method: clinical testing. Allele origin: germline. Affected: yes.
Comment: Not observed at significant frequency in large population cohorts (gnomAD); In silico analysis supports that this missense variant has a deleterious effect on protein structure/function; Has not been previously published as pathogenic or benign to our knowledge; Also known as 3706C>A

Breast Cancer Information Core (BIC) (BRCA1)
Classification: Uncertain significance for Breast-ovarian cancer, familial 1. Last evaluated: 1997-02-15. Review status: no assertion criteria provided. Collection method: clinical testing. Allele origin: germline. Affected: yes. Observed: 2 variant alleles. Not counted in ClinVar's aggregate classification.

Literature cited by the submitters: PubMed 9333265 (cited by Women's Health and Genetics/Laboratory Corporation of America, LabCorp and Labcorp Genetics (formerly Invitae), Labcorp); PubMed 16518693 (cited by Ambry Genetics).

NM_007294.4(BRCA1):c.3587C>A (p.Thr1196Lys)

Genes: BRCA1 (BRCA1 DNA repair associated; minus strand), LOC126862571 (BRD4-independent group 4 enhancer GRCh37_chr17:41243136-41244335; plus strand). Cytogenetic location: 17q21.31.
Variant type: single nucleotide variant.
Coding change: c.3587C>A on transcript NM_007294.4 (MANE Select); coding-DNA position 3587, C replaced by A.
Protein change: p.Thr1196Lys; replaces threonine 1196 with lysine.
Molecular consequence: missense variant. On other transcripts: intron variant (135).
Genome position (GRCh38, 1-based): chr17:43,091,944, G>T on the plus strand (C>A on the coding strand, the complement: BRCA1 is on the minus strand). VCF-style: chr17-43091944-G-T. GRCh37 (hg19) VCF-style: chr17-41243961-G-T.
Other names: c.3464C>A, p.Thr1155Lys (NM_001407674.1, NM_001407675.1, NM_001407676.1 and 19 more transcripts); c.3587C>A, p.Thr1196Lys (NM_001407684.1, NM_001407854.1, NM_001407858.1 and 30 more transcripts); c.3461C>A, p.Thr1154Lys (NM_001407685.1, NM_001407686.1, NM_001407687.1 and 11 more transcripts); c.3446C>A, p.Thr1149Lys (NM_001407692.1, NM_001407694.1, NM_001407695.1 and 29 more transcripts); c.3443C>A, p.Thr1148Lys (NM_001407740.1, NM_001407741.1, NM_001407742.1 and 20 more transcripts); c.3374C>A, p.Thr1125Lys (NM_001407853.1, NM_001407894.1, NM_001407895.1 and 9 more transcripts); c.3584C>A, p.Thr1195Lys (NM_001407860.1, NM_001407861.1, NM_001407587.1 and 22 more transcripts); c.3386C>A, p.Thr1129Lys (NM_001407862.1); and 41 more; short protein forms T1196K, T1149K, T1128K, T1148K, T1154K, T1170K, T328K, T1084K.
Identifiers: ClinVar variation 54925 (VCV000054925.21), dbSNP rs80356944, ClinGen allele CA002287.
Genomic context (GRCh38, chr17:43,091,944, plus strand): 5'-AAGTTCTCTTCTGAGGACTCTAATTTCTTGGCCCCTCTTCGGTAACCCTGAGCCAAATGT[G>T]TATGGGTGAAAGGGCTAGGACTCCTGCTAAGCTCTCCTTTCTGGACGCTTTTGCTAAAAA-3'
Protein context (NP_009225.1, residues 1186-1206): LSRSPSPFTH[Thr1196Lys]HLAQGYRRGA